The following is an entry in ClinVar:

NM_005618.4(DLL1):c.1616del (p.Gln539fs)

Gene: DLL1 (delta like canonical Notch ligand 1; minus strand). Cytogenetic location: 6q27.
Variant type: Deletion.
Coding change: c.1616del on transcript NM_005618.4 (MANE Select); coding-DNA position 1616, one base deleted (A; older notation c.1616delA).
Protein change: p.Gln539fs; shifts the reading frame from glutamine 539.
Molecular consequence: frameshift variant.
Genome position (GRCh38, 1-based): chr6:170,283,663, T deleted on the plus strand (A on the coding strand, the reverse complement: DLL1 is on the minus strand). VCF-style (leftmost placement, unchanged base first): chr6-170283662-CT-C. GRCh37 (hg19) VCF-style: chr6-170592750-CT-C.
Other names: short protein forms Q539fs.
Identifiers: ClinVar variation 1075313 (VCV001075313.7), dbSNP rs2114958184, ClinGen allele CA2499218192.

ClinVar aggregate classification (germline): Pathogenic (1 of 4 stars; one submission).

Submission:

Labcorp Genetics (formerly Invitae), Labcorp
Classification: Pathogenic. Last evaluated: 2020-03-31. Review status: criteria provided, single submitter. Criteria: Invitae Variant Classification Sherloc (09022015). Collection method: clinical testing. Allele origin: germline.
Comment: For these reasons, this variant has been classified as Pathogenic. Loss-of-function variants in DLL1 are known to be pathogenic (PMID: 31353024). This variant has not been reported in the literature in individuals with DLL1-related conditions. This variant is not present in population databases (ExAC no frequency). This sequence change creates a premature translational stop signal (p.Gln539Argfs*33) in the DLL1 gene. It is expected to result in an absent or disrupted protein product.

Literature cited by the submitters: PubMed 31353024.